The following is an entry in ClinVar:

NM_002230.4(JUP):c.1745G>C (p.Arg582Pro)

Gene: JUP (junction plakoglobin; minus strand). Cytogenetic location: 17q21.2.
Variant type: single nucleotide variant.
Coding change: c.1745G>C on transcript NM_002230.4 (MANE Select); coding-DNA position 1745, G replaced by C.
Protein change: p.Arg582Pro; replaces arginine 582 with proline.
Molecular consequence: missense variant.
Genome position (GRCh38, 1-based): chr17:41,758,427, C>G on the plus strand (G>C on the coding strand, the complement: JUP is on the minus strand). VCF-style: chr17-41758427-C-G. GRCh37 (hg19) VCF-style: chr17-39914679-C-G.
Other names: c.1745G>C, p.Arg582Pro (NM_001352773.2, NM_001352774.2, NM_001352775.2 and 3 more transcripts); short protein forms R582P.
Identifiers: ClinVar variation 3862362 (VCV003862362.2).

ClinVar aggregate classification (germline): Uncertain significance. Review status: criteria provided, multiple submitters, no conflicts (2 of 4 stars). 2 submissions from 2 submitters: Uncertain significance (2). Last evaluated 2025-05-13.

Conditions:
Naxos disease (NXD). Also called: KERATOSIS PALMOPLANTARIS WITH ARRHYTHMOGENIC CARDIOMYOPATHY; MAL DE NAXOS; PALMOPLANTAR KERATODERMA WITH ARRHYTHMOGENIC RIGHT VENTRICULAR CARDIOMYOPATHY AND WOOLLY HAIR; WOOLLY HAIR, PALMOPLANTAR KERATODERMA, AND CARDIAC ABNORMALITIES; CARDIOMYOPATHY, ARRHYTHMOGENIC RIGHT VENTRICULAR, WITH SKIN, HAIR, AND NAIL ABNORMALITIES. Identifiers: Orphanet 34217, MedGen C1832600, MONDO:0011017, OMIM 601214.
Arrhythmogenic right ventricular dysplasia 12. Also called: ARRHYTHMOGENIC RIGHT VENTRICULAR DYSPLASIA, FAMILIAL, 12. Identifiers: MedGen C1969081, MONDO:0012684, OMIM 611528.
Cardiovascular phenotype. Identifiers: MedGen CN230736.

gnomAD v4.1: 1 of 1,613,558 alleles (0.000062%); highest among the groups gnomAD compares: African/African-American, 0.0013%; no homozygotes.

Submissions (2):

Labcorp Genetics (formerly Invitae), Labcorp
Classification: Uncertain significance for Arrhythmogenic right ventricular dysplasia 12; Naxos disease. Last evaluated: 2025-05-13. Review status: criteria provided, single submitter. Criteria: Invitae Variant Classification Sherloc (09022015). Collection method: clinical testing. Allele origin: germline.
Comment: This sequence change replaces arginine, which is basic and polar, with proline, which is neutral and non-polar, at codon 582 of the JUP protein (p.Arg582Pro). This variant is not present in population databases (gnomAD no frequency). This variant has not been reported in the literature in individuals affected with JUP-related conditions. An algorithm developed to predict the effect of missense changes on protein structure and function (PolyPhen-2) suggests that this variant is likely to be tolerated. In summary, the available evidence is currently insufficient to determine the role of this variant in disease. Therefore, it has been classified as a Variant of Uncertain Significance.

Ambry Genetics
Classification: Uncertain significance for Cardiovascular phenotype. Last evaluated: 2025-03-05. Review status: criteria provided, single submitter. Criteria: Ambry Variant Classification Scheme 2023. Collection method: clinical testing. Allele origin: germline.
Comment: The p.R582P variant (also known as c.1745G>C), located in coding exon 9 of the JUP gene, results from a G to C substitution at nucleotide position 1745. The arginine at codon 582 is replaced by proline, an amino acid with dissimilar properties. This amino acid position is not well conserved in available vertebrate species. In addition, the in silico prediction for this alteration is inconclusive. Based on the available evidence, the clinical significance of this variant remains unclear.